The following is an entry in ClinVar:

NM_015602.4(TOR1AIP1):c.1036G>A (p.Ala346Thr)

Gene: TOR1AIP1 (torsin 1A interacting protein 1; plus strand). Cytogenetic location: 1q25.2.
Variant type: single nucleotide variant.
Coding change: c.1036G>A on transcript NM_015602.4 (MANE Select); coding-DNA position 1036, G replaced by A.
Protein change: p.Ala346Thr; replaces alanine 346 with threonine.
Molecular consequence: missense variant.
Genome position (GRCh38, 1-based): chr1:179,917,523, G>A. VCF-style: chr1-179917523-G-A. GRCh37 (hg19) VCF-style: chr1-179886658-G-A.
Other names: c.1039G>A, p.Ala347Thr (NM_001267578.2); c.1036G>A (NM_015602.2); short protein forms A346T, A347T.
Identifiers: ClinVar variation 1936807 (VCV001936807.4), dbSNP rs768583219, ClinGen allele CA1269082.

ClinVar aggregate classification (germline): Uncertain significance. Review status: criteria provided, multiple submitters, no conflicts (2 of 4 stars). 2 submissions from 2 submitters: Uncertain significance (2). Last evaluated 2025-05-07.

Conditions:
Inborn genetic diseases. Identifiers: MedGen C0950123, MeSH D030342.
Autosomal recessive limb-girdle muscular dystrophy type 2Y (MRRSDC). Also called: Muscular dystrophy, limb-girdle, type 2y; Muscular dystrophy, autosomal recessive, with rigid spine and distal joint contractures. Identifiers: Orphanet 424261, MedGen C4511482, MONDO:0014900, OMIM 617072.

Allele frequency attached by ClinVar (database versions not stated): ExAC 0.00001; gnomAD exomes below 0.00001.
gnomAD v4.1: 1 of 1,614,040 alleles (0.000062%); highest among the groups gnomAD compares: Non-Finnish European, 0.000085%; no homozygotes.

Submissions (2):

Ambry Genetics
Classification: Uncertain significance for Inborn genetic diseases. Last evaluated: 2025-05-07. Review status: criteria provided, single submitter. Criteria: Ambry Variant Classification Scheme 2023. Collection method: clinical testing. Allele origin: germline.

Labcorp Genetics (formerly Invitae), Labcorp
Classification: Uncertain significance for Autosomal recessive limb-girdle muscular dystrophy type 2Y. Last evaluated: 2022-04-07. Review status: criteria provided, single submitter. Criteria: Invitae Variant Classification Sherloc (09022015). Collection method: clinical testing. Allele origin: germline.
Comment: This variant has not been reported in the literature in individuals affected with TOR1AIP1-related conditions. This variant is present in population databases (rs768583219, gnomAD 0.006%). This sequence change replaces alanine, which is neutral and non-polar, with threonine, which is neutral and polar, at codon 347 of the TOR1AIP1 protein (p.Ala347Thr). Algorithms developed to predict the effect of missense changes on protein structure and function (SIFT, PolyPhen-2, Align-GVGD) all suggest that this variant is likely to be tolerated. In summary, the available evidence is currently insufficient to determine the role of this variant in disease. Therefore, it has been classified as a Variant of Uncertain Significance.